The following is an entry in ClinVar:

NM_000548.5(TSC2):c.3382G>A (p.Val1128Ile)

Gene: TSC2 (TSC complex subunit 2; plus strand). Cytogenetic location: 16p13.3.
Variant type: single nucleotide variant.
Coding change: c.3382G>A on transcript NM_000548.5 (MANE Select); coding-DNA position 3382, G replaced by A.
Protein change: p.Val1128Ile; replaces valine 1128 with isoleucine.
Molecular consequence: missense variant.
Genome position (GRCh38, 1-based): chr16:2,079,654, G>A. VCF-style: chr16-2079654-G-A. GRCh37 (hg19) VCF-style: chr16-2129655-G-A.
Other names: c.3382G>A (NM_000548.3); c.3250G>A, p.Val1084Ile (NM_001077183.3, NM_001370404.1); c.3382G>A, p.Val1128Ile (NM_001114382.3); c.3142G>A, p.Val1048Ile (NM_001318827.2); c.3106G>A, p.Val1036Ile (NM_001318829.2); c.2650G>A, p.Val884Ile (NM_001318831.2); c.3283G>A, p.Val1095Ile (NM_001318832.2); c.3253G>A, p.Val1085Ile (NM_001363528.2, NM_001370405.1, NM_021055.3); short protein forms V1036I, V1048I, V1084I, V1085I, V1095I, V1128I, V884I.
Identifiers: ClinVar variation 1002022 (VCV001002022.10), dbSNP rs1417366523, ClinGen allele CA394286735.

ClinVar aggregate classification (germline): Uncertain significance. Review status: criteria provided, multiple submitters, no conflicts (2 of 4 stars). 3 submissions from 3 submitters: Uncertain significance (3). Last evaluated 2025-07-07.

Conditions:
Hereditary cancer-predisposing syndrome. Also called: Hereditary neoplastic syndrome; Neoplastic Syndromes, Hereditary; Tumor predisposition; Hereditary Cancer Syndrome. Identifiers: Orphanet 140162, MedGen C0027672, MeSH D009386, MONDO:0015356.
Tuberous sclerosis syndrome (TSC). Also called: Tuberous sclerosis; Tuberous Sclerosis Complex. Identifiers: Orphanet 805, MedGen C0041341, MONDO:0001734.
Tuberous sclerosis 2 (TSC2). Identifiers: Orphanet 805, MedGen C1860707, MONDO:0013199, OMIM 613254.

Allele frequency attached by ClinVar (database versions not stated): TOPMed 0.00001.

Submissions (3):

Color Diagnostics, LLC DBA Color Health
Classification: Uncertain significance for Tuberous sclerosis syndrome. Last evaluated: 2025-07-07. Review status: criteria provided, single submitter. Criteria: ACMG Guidelines, 2015. Collection method: clinical testing. Allele origin: germline.
Comment: This missense variant replaces valine with isoleucine at codon 1128 of the TSC2 protein. Computational prediction suggests that this variant may not impact protein structure and function. To our knowledge, functional studies have not been reported for this variant. This variant has not been reported in individuals affected with TSC2-related disorders in the literature. This variant has not been identified in the general population by the Genome Aggregation Database (gnomAD). The available evidence is insufficient to determine the role of this variant in disease conclusively. Therefore, this variant is classified as a Variant of Uncertain Significance.

Ambry Genetics
Classification: Uncertain significance for Hereditary cancer-predisposing syndrome. Last evaluated: 2024-02-26. Review status: criteria provided, single submitter. Criteria: Ambry Variant Classification Scheme 2023. Collection method: clinical testing. Allele origin: germline.
Comment: The p.V1128I variant (also known as c.3382G>A), located in coding exon 28 of the TSC2 gene, results from a G to A substitution at nucleotide position 3382. The valine at codon 1128 is replaced by isoleucine, an amino acid with highly similar properties. This amino acid position is conserved. In addition, the in silico prediction for this alteration is inconclusive. Based on the available evidence, the clinical significance of this alteration remains unclear.

Labcorp Genetics (formerly Invitae), Labcorp
Classification: Uncertain significance for Tuberous sclerosis 2. Last evaluated: 2020-05-20. Review status: criteria provided, single submitter. Criteria: Invitae Variant Classification Sherloc (09022015). Collection method: clinical testing. Allele origin: germline.
Comment: In summary, the available evidence is currently insufficient to determine the role of this variant in disease. Therefore, it has been classified as a Variant of Uncertain Significance. Algorithms developed to predict the effect of missense changes on protein structure and function are either unavailable or do not agree on the potential impact of this missense change (SIFT: "Tolerated"; PolyPhen-2: "Possibly Damaging"; Align-GVGD: "Class C0"). This variant has not been reported in the literature in individuals with TSC2-related conditions. This variant is not present in population databases (ExAC no frequency). This sequence change replaces valine with isoleucine at codon 1128 of the TSC2 protein (p.Val1128Ile). The valine residue is highly conserved and there is a small physicochemical difference between valine and isoleucine.